The following is an entry in ClinVar:

ClinVar aggregate classification (germline): Uncertain significance (1 of 4 stars; one submission).

Conditions:
MELAS syndrome (MELAS). Also called: Juvenile myopathy, encephalopathy, lactic acidosis, stroke. Identifiers: Orphanet 550, MedGen C0162671, MONDO:0010789, OMIM 540000.

Submission:

Institute of Human Genetics, University of Leipzig Medical Center
Classification: Uncertain significance for MELAS syndrome. Last evaluated: 2021-11-12. Review status: criteria provided, single submitter. Criteria: ACMG Guidelines, 2015. Collection method: clinical testing. Allele origin: maternal. Inheritance: Mitochondrial inheritance. Affected: yes.
Comment: Criteria applied: PS3_SUP, PS4_SUP

NC_012920.1(MT-TV):m.1616A>G

Gene: MT-TV (mitochondrially encoded tRNA valine; plus strand).
Variant type: single nucleotide variant.
Genome position: chrM-1616-A-G.
Identifiers: ClinVar variation 1325837 (VCV001325837.3), dbSNP rs2124591018, ClinGen allele CA913163198.
Genomic context (GRCh38, chrMT:1,616, plus strand): 5'-CAAGTCGTAACATGGTAAGTGTACTGGAAAGTGCACTTGGACGAACCAGAGTGTAGCTTA[A>G]CACAAAGCACCCAACTTACACTTAGGAGATTTCAACTTAACTTGACCGCTCTGAGCTAAA-3'